The following is an entry in ClinVar:

ClinVar aggregate classification (germline): Uncertain significance. Review status: criteria provided, multiple submitters, no conflicts (2 of 4 stars). 3 submissions from 3 submitters: Uncertain significance (3). Last evaluated 2024-09-25.

Conditions:
Dilated cardiomyopathy 1W (CMD1W). Identifiers: Orphanet 154, MedGen C1969639, MONDO:0012667, OMIM 611407.
Cardiovascular phenotype. Identifiers: MedGen CN230736.

gnomAD v4.1: 1 of 1,613,948 alleles (0.000062%); highest among the groups gnomAD compares: Non-Finnish European, 0.000085%; no homozygotes.

Submissions (3):

Labcorp Genetics (formerly Invitae), Labcorp
Classification: Uncertain significance for Dilated cardiomyopathy 1W. Last evaluated: 2024-09-25. Review status: criteria provided, single submitter. Criteria: Invitae Variant Classification Sherloc (09022015). Collection method: clinical testing. Allele origin: germline.
Comment: This sequence change replaces glycine, which is neutral and non-polar, with alanine, which is neutral and non-polar, at codon 651 of the VCL protein (p.Gly651Ala). This variant is present in population databases (no rsID available, gnomAD 0.0009%). This variant has not been reported in the literature in individuals affected with VCL-related conditions. An algorithm developed to predict the effect of missense changes on protein structure and function (PolyPhen-2) suggests that this variant is likely to be disruptive. In summary, the available evidence is currently insufficient to determine the role of this variant in disease. Therefore, it has been classified as a Variant of Uncertain Significance.

Ambry Genetics
Classification: Uncertain significance for Cardiovascular phenotype. Last evaluated: 2024-08-01. Review status: criteria provided, single submitter. Criteria: Ambry Variant Classification Scheme 2023. Collection method: clinical testing. Allele origin: germline.
Comment: The p.G651A variant (also known as c.1952G>C), located in coding exon 14 of the VCL gene, results from a G to C substitution at nucleotide position 1952. The glycine at codon 651 is replaced by alanine, an amino acid with similar properties. This amino acid position is highly conserved in available vertebrate species. In addition, the in silico prediction for this alteration is inconclusive. Based on the available evidence, the clinical significance of this variant remains unclear.

Blueprint Genetics
Classification: Uncertain significance. Last evaluated: 2024-05-24. Review status: criteria provided, single submitter. Criteria: ACMG Guidelines, 2015. Collection method: clinical testing. Allele origin: germline.

NM_014000.3(VCL):c.1952G>C (p.Gly651Ala)

Gene: VCL (vinculin; plus strand). Cytogenetic location: 10q22.2.
Variant type: single nucleotide variant.
Coding change: c.1952G>C on transcript NM_014000.3 (MANE Select); coding-DNA position 1952, G replaced by C.
Protein change: p.Gly651Ala; replaces glycine 651 with alanine.
Molecular consequence: missense variant.
Genome position (GRCh38, 1-based): chr10:74,101,027, G>C. VCF-style: chr10-74101027-G-C. GRCh37 (hg19) VCF-style: chr10-75860785-G-C.
Other names: c.1952G>C, p.Gly651Ala (NM_003373.4); short protein forms G651A.
Identifiers: ClinVar variation 3467792 (VCV003467792.4).
Genomic context (GRCh38, chr10:74,101,027, plus strand): 5'-CTAACTTTGAAAACCATTCAGGAAAGCTTGGTGCTACGGCCGAGAAGGCGGCTGCGGTTG[G>C]TACTGCTAATAAATCAACAGTGGAAGGCATTCAGGCCTCAGTGAAGACGGCCCGAGAACT-3'
Protein context (NP_054706.1, residues 641-661): GATAEKAAAV[Gly651Ala]TANKSTVEGI